The following is an entry in ClinVar:

ClinVar aggregate classification (germline): Uncertain significance (1 of 4 stars; one submission).

Conditions:
Primary ciliary dyskinesia 3. Identifiers: Orphanet 244, MedGen C1837618, MONDO:0012085, OMIM 608644.

gnomAD v4.1: 43 of 1,614,184 alleles (0.0027%); highest among the groups gnomAD compares: South Asian, 0.045%; no homozygotes.

Submission:

Myriad Genetics, Inc.
Classification: Uncertain significance for Primary ciliary dyskinesia 3. Last evaluated: 2025-10-14. Review status: criteria provided, single submitter. Criteria: Myriad Autosomal Dominant, Autosomal Recessive and X-Linked Classification Criteria (2023). Collection method: clinical testing. Allele origin: unknown.
Comment: NM_001369.2(DNAH5):c.9899C>T(T3300I) is a missense variant classified as a variant of uncertain significance in the context of primary ciliary dyskinesia, DNAH5-related. T3300I has been observed in a case with relevant disease (PMID: 39004944). Relevant functional assessments of this variant are not available in the literature. T3300I has been observed in referenced population frequency databases. In summary, there is insufficient evidence to classify NM_001369.2(DNAH5):c.9899C>T(T3300I) as pathogenic or benign. Please note: this variant was assessed in the context of healthy population screening.

Literature cited by the submitters: PubMed 39004944.

NM_001369.3(DNAH5):c.9899C>T (p.Thr3300Ile)

Gene: DNAH5 (dynein axonemal heavy chain 5; minus strand). Cytogenetic location: 5p15.2.
Variant type: single nucleotide variant.
Coding change: c.9899C>T on transcript NM_001369.3 (MANE Select); coding-DNA position 9899, C replaced by T.
Protein change: p.Thr3300Ile; replaces threonine 3300 with isoleucine.
Molecular consequence: missense variant.
Genome position (GRCh38, 1-based): chr5:13,766,178, G>A on the plus strand (C>T on the coding strand, the complement: DNAH5 is on the minus strand). VCF-style: chr5-13766178-G-A. GRCh37 (hg19) VCF-style: chr5-13766287-G-A.
Other names: short protein forms T3300I.
Identifiers: ClinVar variation 5003427 (VCV005003427.1).